The following is an entry in ClinVar:

ClinVar aggregate classification (germline): Conflicting classifications of pathogenicity. Review status: criteria provided, conflicting classifications (1 of 4 stars). 3 submissions from 3 submitters: Uncertain significance (2); Likely benign (1). Last evaluated 2023-10-08.

Conditions:
Hereditary breast ovarian cancer syndrome. Also called: Hereditary breast and ovarian cancer; Hereditary breast and ovarian cancer syndrome; BRCA1- and BRCA2-Associated Hereditary Breast and Ovarian Cancer; Hereditary breast and ovarian cancer syndrome (HBOC); Breast and ovarian cancer; Hereditary breast and/or ovarian cancer syndrome. Identifiers: Orphanet 145, MedGen C0677776, MeSH D061325, MONDO:0003582. Disease mechanism: loss of function.
Hereditary cancer-predisposing syndrome. Also called: Hereditary Cancer Syndrome; Tumor predisposition; Hereditary neoplastic syndrome; Neoplastic Syndromes, Hereditary. Identifiers: Orphanet 140162, MedGen C0027672, MeSH D009386, MONDO:0015356.

Submissions (3):

Labcorp Genetics (formerly Invitae), Labcorp
Classification: Uncertain significance for Hereditary breast ovarian cancer syndrome. Last evaluated: 2023-10-08. Review status: criteria provided, single submitter. Criteria: Invitae Variant Classification Sherloc (09022015). Collection method: clinical testing. Allele origin: germline.
Comment: This sequence change replaces arginine, which is basic and polar, with threonine, which is neutral and polar, at codon 2087 of the BRCA2 protein (p.Arg2087Thr). This variant is not present in population databases (gnomAD no frequency). This variant has not been reported in the literature in individuals affected with BRCA2-related conditions. ClinVar contains an entry for this variant (Variation ID: 646887). Advanced modeling of protein sequence and biophysical properties (such as structural, functional, and spatial information, amino acid conservation, physicochemical variation, residue mobility, and thermodynamic stability) performed at Invitae indicates that this missense variant is not expected to disrupt BRCA2 protein function. In summary, the available evidence is currently insufficient to determine the role of this variant in disease. Therefore, it has been classified as a Variant of Uncertain Significance.

Ambry Genetics
Classification: Uncertain significance for Hereditary cancer-predisposing syndrome. Last evaluated: 2023-09-21. Review status: criteria provided, single submitter. Criteria: Ambry Variant Classification Scheme 2023. Collection method: clinical testing. Allele origin: germline.
Comment: The p.R2087T variant (also known as c.6260G>C), located in coding exon 10 of the BRCA2 gene, results from a G to C substitution at nucleotide position 6260. The arginine at codon 2087 is replaced by threonine, an amino acid with similar properties. This amino acid position is conserved. In addition, this alteration is predicted to be tolerated by in silico analysis. Since supporting evidence is limited at this time, the clinical significance of this alteration remains unclear.

University of Washington Department of Laboratory Medicine, University of Washington
Classification: Likely benign for Hereditary cancer-predisposing syndrome. Last evaluated: 2023-03-23. Review status: criteria provided, single submitter. Criteria: Dines et al. (Genet Med. 2020). Collection method: curation. Allele origin: germline.
Comment: Missense variant in a coldspot region where missense variants are very unlikely to be pathogenic (PMID:31911673).

BRCA2 exon 11 coldspot. Reclassification based on statistical prior probability.

NM_000059.4(BRCA2):c.6260G>C (p.Arg2087Thr)

Gene: BRCA2 (BRCA2 DNA repair associated; plus strand). Cytogenetic location: 13q13.1.
Variant type: single nucleotide variant.
Coding change: c.6260G>C on transcript NM_000059.4 (MANE Select); coding-DNA position 6260, G replaced by C.
Protein change: p.Arg2087Thr; replaces arginine 2087 with threonine.
Molecular consequence: missense variant.
Genome position (GRCh38, 1-based): chr13:32,340,615, G>C. VCF-style: chr13-32340615-G-C. GRCh37 (hg19) VCF-style: chr13-32914752-G-C.
Other names: short protein forms R2087T.
Identifiers: ClinVar variation 646887 (VCV000646887.11), dbSNP rs1593908026, ClinGen allele CA387788948.